The following is an entry in ClinVar:

ClinVar aggregate classification (germline): Uncertain significance (1 of 4 stars; one submission).

Conditions:
Craniolenticulosutural dysplasia (CLSD). Also called: BOYADJIEV-JABS SYNDROME. Identifiers: Orphanet 50814, MedGen C1843042, MONDO:0011911, OMIM 607812.

Submission:

Labcorp Genetics (formerly Invitae), Labcorp
Classification: Uncertain significance for Craniolenticulosutural dysplasia. Last evaluated: 2025-06-26. Review status: criteria provided, single submitter. Criteria: Invitae Variant Classification Sherloc (09022015). Collection method: clinical testing. Allele origin: germline.
Comment: This sequence change replaces arginine, which is basic and polar, with glutamine, which is neutral and polar, at codon 14 of the SEC23A protein (p.Arg14Gln). This variant is present in population databases (rs746869456, gnomAD 0.003%). This variant has not been reported in the literature in individuals affected with SEC23A-related conditions. Invitae Evidence Modeling of protein sequence and biophysical properties (such as structural, functional, and spatial information, amino acid conservation, physicochemical variation, residue mobility, and thermodynamic stability) indicates that this missense variant is not expected to disrupt SEC23A protein function with a negative predictive value of 80%. In summary, the available evidence is currently insufficient to determine the role of this variant in disease. Therefore, it has been classified as a Variant of Uncertain Significance.

NM_006364.4(SEC23A):c.41G>A (p.Arg14Gln)

Gene: SEC23A (SEC23 homolog A, COPII component; minus strand). Cytogenetic location: 14q21.1.
Variant type: single nucleotide variant.
Coding change: c.41G>A on transcript NM_006364.4 (MANE Select); coding-DNA position 41, G replaced by A.
Protein change: p.Arg14Gln; replaces arginine 14 with glutamine.
Molecular consequence: missense variant.
Genome position (GRCh38, 1-based): chr14:39,096,078, C>T on the plus strand (G>A on the coding strand, the complement: SEC23A is on the minus strand). VCF-style: chr14-39096078-C-T. GRCh37 (hg19) VCF-style: chr14-39565282-C-T.
Other names: short protein forms R14Q.
Identifiers: ClinVar variation 4724454 (VCV004724454.1).
Genomic context (GRCh38, chr14:39,096,078, plus strand): 5'-ATTCTTGTAGCTTCCAGTCGACTTGATGGCCAAACATTCCAACTAAATCGGACTCCATCT[C>T]GTTCTTCATTTTGTTGAATGAATTCCAAATAGGTTGTCATTGTGGAGTTTGATTCTTATT-3'
Protein context (NP_006355.2, residues 4-24): YLEFIQQNEE[Arg14Gln]DGVRFSWNVW